The following is an entry in ClinVar:

NM_005902.4(SMAD3):c.607+1G>T

Gene: SMAD3 (SMAD family member 3; plus strand). Cytogenetic location: 15q22.33.
Variant type: single nucleotide variant.
Coding change: c.607+1G>T on transcript NM_005902.4 (MANE Select); the canonical splice donor site of the intron after coding-DNA position 607, G replaced by T.
Molecular consequence: splice donor variant.
Genome position (GRCh38, 1-based): chr15:67,166,854, G>T. VCF-style: chr15-67166854-G-T. GRCh37 (hg19) VCF-style: chr15-67459192-G-T.
Other names: c.607+1G>T (NM_001407011.1, NM_001407013.1); c.475+1G>T (NM_001407012.1, NM_001145103.2); c.460+1G>T (NM_001407014.1); c.292+1G>T (NM_001145102.2, NM_001407016.1); c.160+1G>T (NM_001407015.1); c.22+1G>T (NM_001145104.2, NM_001407017.1).
Identifiers: ClinVar variation 405567 (VCV000405567.11), dbSNP rs1060500771, ClinGen allele CA16614483.

ClinVar aggregate classification (germline): Likely pathogenic. Review status: criteria provided, multiple submitters, no conflicts (2 of 4 stars). 3 submissions from 3 submitters: Likely pathogenic (3). Last evaluated 2026-09-04.

Conditions:
Familial thoracic aortic aneurysm and aortic dissection (TAAD). Also called: Thoracic aortic aneurysms and dissections. Identifiers: Orphanet 91387, MedGen C4707243, MONDO:0019625.

Submissions (3):

Ambry Genetics
Classification: Likely pathogenic for Familial thoracic aortic aneurysm and aortic dissection. Last evaluated: 2026-09-04. Review status: criteria provided, single submitter. Criteria: Ambry Variant Classification Scheme 2023. Collection method: clinical testing. Allele origin: germline.
Comment: The c.607+1G>T intronic variant results from a G to T substitution one nucleotide after coding exon 4 of the SMAD3 gene. Variants that disrupt the canonical splice site are expected to result in aberrant splicing. In silico splice site analysis predicts that this alteration will weaken the native splice donor site and will result in the creation or strengthening of a novel splice donor site. A resulting transcript is predicted to be in-frame and is not expected to trigger nonsense-mediated mRNAdecay; although, direct evidence is unavailable. However, the region predicted to be impacted is critical for protein function and a significant portion of the protein is predicted to be impacted (Ambry internal data). This variant was reported in individual(s) with features consistent with SMAD3-related Loeys-Dietz syndrome (Ambry internal data). This variant is considered to be rare based on population cohorts in the Genome Aggregation Database (gnomAD). This nucleotide position is highly conserved in available vertebrate species. Based on the majority of available evidence to date, this variant is likely to be pathogenic.

GeneDx
Classification: Likely pathogenic. Last evaluated: 2024-01-26. Review status: criteria provided, single submitter. Criteria: GeneDx Variant Classification Process June 2021. Collection method: clinical testing. Allele origin: germline. Affected: yes.
Comment: Canonical splice site variant predicted to result in an in-frame loss of the adjacent exon in a gene for which loss of function is a known mechanism of disease; Not observed at significant frequency in large population cohorts (gnomAD); Has not been previously published as pathogenic or benign to our knowledge

Labcorp Genetics (formerly Invitae), Labcorp
Classification: Likely pathogenic for Familial thoracic aortic aneurysm and aortic dissection. Last evaluated: 2023-12-25. Review status: criteria provided, single submitter. Criteria: Invitae Variant Classification Sherloc (09022015). Collection method: clinical testing. Allele origin: germline.
Comment: This sequence change affects a donor splice site in intron 4 of the SMAD3 gene. It is expected to disrupt RNA splicing. Variants that disrupt the donor or acceptor splice site typically lead to a loss of protein function (PMID: 16199547), and loss-of-function variants in SMAD3 are known to be pathogenic (PMID: 21778426, 24804794). This variant is not present in population databases (gnomAD no frequency). This variant has not been reported in the literature in individuals affected with SMAD3-related conditions. ClinVar contains an entry for this variant (Variation ID: 405567). Algorithms developed to predict the effect of sequence changes on RNA splicing suggest that this variant may disrupt the consensus splice site. In summary, the currently available evidence indicates that the variant is pathogenic, but additional data are needed to prove that conclusively. Therefore, this variant has been classified as Likely Pathogenic.

Literature cited by the submitters: PubMed 16199547 (cited by Labcorp Genetics (formerly Invitae), Labcorp); PubMed 21778426 (cited by Labcorp Genetics (formerly Invitae), Labcorp); PubMed 24804794 (cited by Labcorp Genetics (formerly Invitae), Labcorp).